The following is an entry in ClinVar:

NM_001482.3(GATM):c.222C>T (p.Pro74=)

Gene: GATM (glycine amidinotransferase; minus strand). Cytogenetic location: 15q21.1.
Variant type: single nucleotide variant.
Coding change: c.222C>T on transcript NM_001482.3 (MANE Select); coding-DNA position 222, C replaced by T.
Protein change: p.Pro74=; no amino-acid change (proline 74 retained).
Molecular consequence: synonymous variant. On other transcripts: 5 prime UTR variant (1).
Genome position (GRCh38, 1-based): chr15:45,376,667, G>A on the plus strand (C>T on the coding strand, the complement: GATM is on the minus strand). VCF-style: chr15-45376667-G-A. GRCh37 (hg19) VCF-style: chr15-45668865-G-A.
Other names: NM_001482.3(GATM):c.222C>T; p.Pro74=; c.-166C>T (NM_001321015.2).
Identifiers: ClinVar variation 316212 (VCV000316212.10), dbSNP rs774485349, ClinGen allele CA7542974.

ClinVar aggregate classification (germline): Uncertain significance. Review status: reviewed by expert panel (3 of 4 stars). 2 submissions from 2 submitters: Uncertain significance (1). 1 of the submissions does not count toward it. Last evaluated 2026-04-20.

Conditions:
Arginine:glycine amidinotransferase deficiency (CCDS3). Also called: Creatine deficiency syndrome due to AGAT deficiency; GATM deficiency; Cerebral creatine deficiency syndrome 3; L-Arginine:Glycine Amidinotransferase (AGAT) Deficiency; AGAT deficiency; L-Arginine:Glycine Amidinotransferase Deficiency. Identifiers: Orphanet 35704, MedGen C2675179, MONDO:0012996, OMIM 612718.

Submissions (2):

ClinGen Cerebral Creatine Deficiency Syndromes Variant Curation Expert Panel, ClinGen
Classification: Uncertain significance for Arginine:glycine amidinotransferase deficiency. Last evaluated: 2026-04-20. Review status: reviewed by expert panel. Criteria: ClinGen CCDS ACMG Specifications GATM V2.0.0. Collection method: curation. Allele origin: germline. Inheritance: Autosomal recessive inheritance.
Comment: The NM_001482.3:c.222C>T variant in GATM is a synonymous (silent) variant (p.Pro74=) that is not predicted by SpliceAI to impact splicing. In addition, it occurs at a nucleotide that is not conserved as shown by phyloP (score -3.04) (BP4, BP7). To our knowledge, this variant has not been reported in the literature and results of functional studies are unavailable. The variant is absent in gnomAD v4.1.0. (PM2_Supporting). There is a ClinVar entry for this variant (Variation ID: 316212). In summary, this variant meets the criteria to be classified as a variant of uncertain significance for AGAT deficiency based on the GATM-specific ACMG/AMP criteria applied, as specified by the ClinGen Cerebral Creatine Deficiency Syndromes Variant Curation Expert Panel (Specifications Version 1.1.0): PM2_Supporting, BP4, BP7. (Classification approved by the ClinGen Cerebral Creatine Deficiency Syndromes Variant Curation Expert Panel on April 20, 2026).

Labcorp Genetics (formerly Invitae), Labcorp
Classification: Likely benign for Arginine:glycine amidinotransferase deficiency. Last evaluated: 2025-03-29. Review status: criteria provided, single submitter. Criteria: Invitae Variant Classification Sherloc (09022015). Collection method: clinical testing. Allele origin: germline. Not counted in ClinVar's aggregate classification.